The following is an entry in ClinVar:

ClinVar aggregate classification (germline): Likely pathogenic. Review status: criteria provided, multiple submitters, no conflicts (2 of 4 stars). 2 submissions from 2 submitters: Likely pathogenic (2). Last evaluated 2024-12-06.

Conditions:
Mowat-Wilson syndrome (MOWS). Also called: Classic Mowat-Wilson Syndrome. Identifiers: Orphanet 2152, MedGen C1856113, MONDO:0009341, OMIM 235730.
Inborn genetic diseases. Identifiers: MedGen C0950123, MeSH D030342.

Submissions (2):

Ambry Genetics
Classification: Likely pathogenic for Inborn genetic diseases. Last evaluated: 2024-12-06. Review status: criteria provided, single submitter. Criteria: Ambry Variant Classification Scheme 2023. Collection method: clinical testing. Allele origin: germline.
Comment: The c.851G>A (p.C284Y) alteration is located in exon 7 (coding exon 6) of the ZEB2 gene. This alteration results from a G to A substitution at nucleotide position 851, causing the cysteine (C) at amino acid position 284 to be replaced by a tyrosine (Y). This variant was not reported in population-based cohorts in the Genome Aggregation Database (gnomAD). This amino acid position is highly conserved in available vertebrate species. This alteration is predicted to be deleterious by in silico analysis. Based on the available evidence, this alteration is classified as likely pathogenic.

MVZ Martinsried, Medicover Genetics
Classification: Likely pathogenic for Mowat-Wilson syndrome. Last evaluated: 2020-06-19. Review status: criteria provided, single submitter. Criteria: ACGS Guidelines, 2020. Collection method: clinical testing. Allele origin: de novo. Affected: yes.

NM_014795.4(ZEB2):c.851G>A (p.Cys284Tyr)

Gene: ZEB2 (zinc finger E-box binding homeobox 2; minus strand). Cytogenetic location: 2q22.3.
Variant type: single nucleotide variant.
Coding change: c.851G>A on transcript NM_014795.4 (MANE Select); coding-DNA position 851, G replaced by A.
Protein change: p.Cys284Tyr; replaces cysteine 284 with tyrosine.
Molecular consequence: missense variant.
Genome position (GRCh38, 1-based): chr2:144,401,264, C>T on the plus strand (G>A on the coding strand, the complement: ZEB2 is on the minus strand). VCF-style: chr2-144401264-C-T. GRCh37 (hg19) VCF-style: chr2-145158831-C-T.
Other names: c.851G>A (NM_014795.3); c.779G>A, p.Cys260Tyr (NM_001171653.2); short protein forms C260Y, C284Y.
Identifiers: ClinVar variation 974618 (VCV000974618.2), dbSNP rs1703306516, ClinGen allele CA348713599.